The following is an entry in ClinVar:

NM_000465.4(BARD1):c.2210T>C (p.Ile737Thr)

Gene: BARD1 (BRCA1 associated RING domain 1; minus strand). Cytogenetic location: 2q35.
Variant type: single nucleotide variant.
Coding change: c.2210T>C on transcript NM_000465.4 (MANE Select); coding-DNA position 2210, T replaced by C.
Protein change: p.Ile737Thr; replaces isoleucine 737 with threonine.
Molecular consequence: missense variant. On other transcripts: non-coding transcript variant (3).
Genome position (GRCh38, 1-based): chr2:214,728,800, A>G on the plus strand (T>C on the coding strand, the complement: BARD1 is on the minus strand). VCF-style: chr2-214728800-A-G. GRCh37 (hg19) VCF-style: chr2-215593524-A-G.
Other names: c.2210T>C (NM_000465.2); c.2153T>C, p.Ile718Thr (NM_001282543.2); c.857T>C, p.Ile286Thr (NM_001282545.2); c.800T>C, p.Ile267Thr (NM_001282548.2); c.671T>C, p.Ile224Thr (NM_001282549.2); short protein forms I224T, I718T, I737T, I267T, I286T.
Identifiers: ClinVar variation 858377 (VCV000858377.19), dbSNP rs1692205410, ClinGen allele CA350450197.

ClinVar aggregate classification (germline): Uncertain significance. Review status: criteria provided, multiple submitters, no conflicts (2 of 4 stars). 5 submissions from 5 submitters: Uncertain significance (5). Last evaluated 2025-09-26.

Conditions:
Familial cancer of breast. Also called: Hereditary breast cancer; hereditary breast carcinoma; BREAST CANCER, FAMILIAL. Identifiers: Orphanet 227535, MedGen C0346153, MONDO:0016419, OMIM 114480. Disease mechanism: loss of function.
Hereditary cancer-predisposing syndrome. Also called: Neoplastic Syndromes, Hereditary; Hereditary neoplastic syndrome; Tumor predisposition; Hereditary Cancer Syndrome. Identifiers: Orphanet 140162, MedGen C0027672, MeSH D009386, MONDO:0015356.

Allele frequency attached by ClinVar (database versions not stated): TOPMed below 0.00001.

Submissions (5):

Ambry Genetics
Classification: Uncertain significance for Hereditary cancer-predisposing syndrome. Last evaluated: 2025-09-26. Review status: criteria provided, single submitter. Criteria: Ambry Variant Classification Scheme 2023. Collection method: clinical testing. Allele origin: germline.
Comment: The p.I737T variant (also known as c.2210T>C), located in coding exon 11 of the BARD1 gene, results from a T to C substitution at nucleotide position 2210. The isoleucine at codon 737 is replaced by threonine, an amino acid with similar properties. This amino acid position is conserved. In addition, the in silico prediction for this alteration is inconclusive. Since supporting evidence is limited at this time, the clinical significance of this alteration remains unclear.

Dasa
Classification: Uncertain significance. Last evaluated: 2025-07-30. Review status: criteria provided, single submitter. Criteria: DASA Assertion Criteria. Collection method: clinical testing. Allele origin: germline.
Comment: NM_000465.4(BARD1):c.2210T>C (p.Ile737Thr) is a missense variant that results in the substitution of isoleucine with threonine. This variant is absent from population databases. The currently available literature and clinical evidence are not sufficient to establish a definitive association between this variant and the reported condition. Therefore, this variant is classified as a variant of uncertain significance.

Labcorp Genetics (formerly Invitae), Labcorp
Classification: Uncertain significance for Familial cancer of breast. Last evaluated: 2025-07-30. Review status: criteria provided, single submitter. Criteria: Invitae Variant Classification Sherloc (09022015). Collection method: clinical testing. Allele origin: germline.
Comment: This sequence change replaces isoleucine, which is neutral and non-polar, with threonine, which is neutral and polar, at codon 737 of the BARD1 protein (p.Ile737Thr). This variant is not present in population databases (gnomAD no frequency). This missense change has been observed in individual(s) with breast cancer (PMID: 35534704). ClinVar contains an entry for this variant (Variation ID: 858377). An algorithm developed to predict the effect of missense changes on protein structure and function (PolyPhen-2) suggests that this variant is likely to be disruptive. In summary, the available evidence is currently insufficient to determine the role of this variant in disease. Therefore, it has been classified as a Variant of Uncertain Significance.

Color Diagnostics, LLC DBA Color Health
Classification: Uncertain significance for Hereditary cancer-predisposing syndrome. Last evaluated: 2024-03-06. Review status: criteria provided, single submitter. Criteria: ACMG Guidelines, 2015. Collection method: clinical testing. Allele origin: germline.
Comment: This missense variant replaces isoleucine with threonine at codon 737 of the BARD1 protein. Computational prediction suggests that this variant may not impact protein structure and function (internally defined REVEL score threshold <= 0.5, PMID: 27666373). Splice site prediction tools suggest that this variant may not impact RNA splicing. To our knowledge, functional studies have not been performed for this variant. This variant has not been reported in individuals affected with hereditary cancer in the literature. This variant has not been identified in the general population by the Genome Aggregation Database (gnomAD). The available evidence is insufficient to determine the role of this variant in disease conclusively. Therefore, this variant is classified as a Variant of Uncertain Significance.

GeneDx
Classification: Uncertain significance. Last evaluated: 2023-12-17. Review status: criteria provided, single submitter. Criteria: GeneDx Variant Classification Process June 2021. Collection method: clinical testing. Allele origin: germline. Affected: yes.
Comment: Not observed at significant frequency in large population cohorts (gnomAD); In silico analysis supports that this missense variant has a deleterious effect on protein structure/function; Observed in an individual with a personal and family history of breast and other cancers (PMID: 35534704); This variant is associated with the following publications: (PMID: 17550235, 35534704)

Literature cited by the submitters: PubMed 35534704 (cited by Labcorp Genetics (formerly Invitae), Labcorp).